The following is an entry in ClinVar:

NM_006245.4(PPP2R5D):c.858G>T (p.Arg286Ser)

Gene: PPP2R5D (protein phosphatase 2 regulatory subunit B'delta; plus strand). Cytogenetic location: 6p21.1.
Variant type: single nucleotide variant.
Coding change: c.858G>T on transcript NM_006245.4 (MANE Select); coding-DNA position 858, G replaced by T.
Protein change: p.Arg286Ser; replaces arginine 286 with serine.
Molecular consequence: missense variant.
Genome position (GRCh38, 1-based): chr6:43,008,201, G>T. VCF-style: chr6-43008201-G-T. GRCh37 (hg19) VCF-style: chr6-42975939-G-T.
Other names: c.405G>T, p.Arg135Ser (NM_001270476.2); c.762G>T, p.Arg254Ser (NM_180976.3); c.540G>T, p.Arg180Ser (NM_180977.3); c.858G>T (NM_006245.2); short protein forms R135S, R180S, R254S, R286S.
Identifiers: ClinVar variation 3253122 (VCV003253122.2), dbSNP rs2532480345.

ClinVar aggregate classification (germline): Uncertain significance. Review status: criteria provided, multiple submitters, no conflicts (2 of 4 stars). 2 submissions from 2 submitters: Uncertain significance (2). Last evaluated 2025-08-26.

Conditions:
Inborn genetic diseases. Identifiers: MedGen C0950123, MeSH D030342.

Submissions (2):

Ambry Genetics
Classification: Uncertain significance for Inborn genetic diseases. Last evaluated: 2025-08-26. Review status: criteria provided, single submitter. Criteria: Ambry Variant Classification Scheme 2023. Collection method: clinical testing. Allele origin: germline.

GeneDx
Classification: Uncertain significance. Last evaluated: 2024-02-02. Review status: criteria provided, single submitter. Criteria: GeneDx Variant Classification Process June 2021. Collection method: clinical testing. Allele origin: germline. Affected: yes.
Comment: Not observed in large population cohorts (gnomAD); In silico analysis supports that this missense variant has a deleterious effect on protein structure/function; Has not been previously published as pathogenic or benign to our knowledge